The following is an entry in ClinVar:

NM_000138.5(FBN1):c.5917+3A>C

Gene: FBN1 (fibrillin 1; minus strand). Cytogenetic location: 15q21.1.
Variant type: single nucleotide variant.
Coding change: c.5917+3A>C on transcript NM_000138.5 (MANE Select); 3 bases into the intron after coding-DNA position 5917, A replaced by C.
Molecular consequence: intron variant.
Genome position (GRCh38, 1-based): chr15:48,445,373, T>G on the plus strand (A>C on the coding strand, the complement: FBN1 is on the minus strand). VCF-style: chr15-48445373-T-G. GRCh37 (hg19) VCF-style: chr15-48737570-T-G.
Identifiers: ClinVar variation 549317 (VCV000549317.18), dbSNP rs202158568, ClinGen allele CA658824291.

ClinVar aggregate classification (germline): Uncertain significance. Review status: criteria provided, single submitter (1 of 4 stars). 2 submissions from 2 submitters: Uncertain significance (1). 1 of the submissions does not count toward it. Last evaluated 2021-03-01.

Conditions:
Marfan syndrome (MFS). Also called: Marfan syndrome type 1; Marfan syndrome, classic; Marfan's syndrome; FBN1-Related Marfan Syndrome; MARFAN SYNDROME, TYPE I. Identifiers: Orphanet 284963, Orphanet 558, MedGen C0024796, MONDO:0007947, OMIM 154700.

Submissions (2):

Centre of Medical Genetics, University of Antwerp
Classification: Uncertain significance for Marfan syndrome. Last evaluated: 2021-03-01. Review status: criteria provided, single submitter. Criteria: Submitter's publication. Collection method: research. Allele origin: unknown. Affected: yes.
Comment: PM2, PP6, PP4

Center for Medical Genetics Ghent, University of Ghent
Classification: Uncertain significance for Marfan syndrome. Last evaluated: 2017-11-07. Review status: no assertion criteria provided. Collection method: clinical testing. Allele origin: germline. Affected: yes. Not counted in ClinVar's aggregate classification.